The following is an entry in ClinVar:

ClinVar aggregate classification (germline): Uncertain significance (1 of 4 stars; one submission).

Submission:

Ambry Genetics
Classification: Uncertain significance. Last evaluated: 2024-08-18. Review status: criteria provided, single submitter. Criteria: Ambry Variant Classification Scheme 2023. Collection method: clinical testing. Allele origin: germline.
Comment: The p.I428V variant (also known as c.1282A>G), located in coding exon 12 of the KIF1B gene, results from an A to G substitution at nucleotide position 1282. The isoleucine at codon 428 is replaced by valine, an amino acid with highly similar properties. This amino acid position is conserved. In addition, this alteration is predicted to be tolerated by in silico analysis. Based on the available evidence, the clinical significance of this variant remains unclear.

NM_001365951.3(KIF1B):c.1420A>G (p.Ile474Val)

Gene: KIF1B (kinesin family member 1B; plus strand). Cytogenetic location: 1p36.22.
Variant type: single nucleotide variant.
Coding change: c.1420A>G on transcript NM_001365951.3 (MANE Select); coding-DNA position 1420, A replaced by G.
Protein change: p.Ile474Val; replaces isoleucine 474 with valine.
Molecular consequence: missense variant.
Genome position (GRCh38, 1-based): chr1:10,282,519, A>G. VCF-style: chr1-10282519-A-G. GRCh37 (hg19) VCF-style: chr1-10342577-A-G.
Other names: c.1420A>G, p.Ile474Val (NM_001365952.1); c.1282A>G, p.Ile428Val (NM_001365953.1, NM_015074.3, NM_183416.4); short protein forms I428V, I474V.
Identifiers: ClinVar variation 3533885 (VCV003533885.1).